The following is an entry in ClinVar:

ClinVar aggregate classification (germline): Uncertain significance (1 of 4 stars; one submission).

Conditions:
Fanconi anemia (FA). Also called: Fanconi's anemia. Identifiers: Orphanet 84, MedGen C0015625, MeSH D005199, MONDO:0019391.

Allele frequency attached by ClinVar (database versions not stated): ExAC 0.00002; gnomAD 0.00003; TOPMed 0.00003; gnomAD exomes 0.00004.
gnomAD v4.1: 67 of 1,614,060 alleles (0.0042%); highest among the groups gnomAD compares: Non-Finnish European, 0.0049%; no homozygotes.

Submission:

Labcorp Genetics (formerly Invitae), Labcorp
Classification: Uncertain significance for Fanconi anemia. Last evaluated: 2025-06-08. Review status: criteria provided, single submitter. Criteria: Invitae Variant Classification Sherloc (09022015). Collection method: clinical testing. Allele origin: germline.
Comment: This sequence change replaces glycine, which is neutral and non-polar, with serine, which is neutral and polar, at codon 528 of the FANCG protein (p.Gly528Ser). This variant is present in population databases (rs747123733, gnomAD 0.004%). This variant has not been reported in the literature in individuals affected with FANCG-related conditions. ClinVar contains an entry for this variant (Variation ID: 2159114). Invitae Evidence Modeling of protein sequence and biophysical properties (such as structural, functional, and spatial information, amino acid conservation, physicochemical variation, residue mobility, and thermodynamic stability) indicates that this missense variant is not expected to disrupt FANCG protein function with a negative predictive value of 80%. In summary, the available evidence is currently insufficient to determine the role of this variant in disease. Therefore, it has been classified as a Variant of Uncertain Significance.

NM_004629.2(FANCG):c.1582G>A (p.Gly528Ser)

Gene: FANCG (FA complementation group G; minus strand). Cytogenetic location: 9p13.3.
Variant type: single nucleotide variant.
Coding change: c.1582G>A on transcript NM_004629.2 (MANE Select); coding-DNA position 1582, G replaced by A.
Protein change: p.Gly528Ser; replaces glycine 528 with serine.
Molecular consequence: missense variant.
Genome position (GRCh38, 1-based): chr9:35,074,981, C>T on the plus strand (G>A on the coding strand, the complement: FANCG is on the minus strand). VCF-style: chr9-35074981-C-T. GRCh37 (hg19) VCF-style: chr9-35074978-C-T.
Other names: short protein forms G528S.
Identifiers: ClinVar variation 2159114 (VCV002159114.2), dbSNP rs747123733, ClinGen allele CA5039692.
Genomic context (GRCh38, chr9:35,074,981, plus strand): 5'-ACATACCTGGGCACATCTGCACACTGAGGAGGAAGTCCTGTAAGGCTTTGGTATCCTGGC[C>T]GCTGGCTACCCATTCCAGTCCACGACTAATTAGGGCGGCTGCCCGAAGCTGCTGCAGTGC-3'
Protein context (NP_004620.1, residues 518-538): ISRGLEWVAS[Gly528Ser]QDTKALQDFL